The following is an entry in ClinVar:

ClinVar aggregate classification (germline): Conflicting classifications of pathogenicity. Review status: criteria provided, conflicting classifications (1 of 4 stars). 4 submissions from 4 submitters: Pathogenic (1); Uncertain significance (3). Last evaluated 2026-08-06.

Conditions:
Infantile liver failure syndrome 2 (ILFS2). Identifiers: MedGen C3809651, MONDO:0014659, OMIM 616483.
Short stature-optic atrophy-Pelger-Huët anomaly syndrome. Also called: Short stature, optic nerve atrophy, and Pelger-Huet anomaly; Short stature-optic atrophy-Pelger-HuC+t anomaly syndrome. Identifiers: Orphanet 391677, MedGen C3541319, MONDO:0013889, OMIM 614800.
NBAS-related disorder. Also called: NBAS-related condition.

Allele frequency attached by ClinVar (database versions not stated): gnomAD exomes below 0.00001.
gnomAD v4.1: 1 of 1,613,492 alleles (0.000062%); highest among the groups gnomAD compares: Admixed American, 0.0017%; no homozygotes.

Submissions (4):

Life Science Institute, Zhejiang University
Classification: Pathogenic for NBAS-related disorder. Last evaluated: 2026-08-06. Review status: criteria provided, single submitter. Criteria: ACMG Guidelines, 2015. Collection method: research. Allele origin: germline. Inheritance: Autosomal recessive inheritance. Affected: yes. Observed: 1 variant allele, 1 compound heterozygote.
Comment: The NM_015909.4(NBAS):c.5139-5T>G variant is an intronic splice-region variant that has previously been reported in association with NBAS-related disease. This variant was identified in two affected siblings (P3 and P4) in trans with NM_015909.4(NBAS):c.501delT, with c.5139-5T>G inherited from the mother and c.501delT inherited from the father, consistent with autosomal recessive inheritance. The variant was absent from population databases evaluated in the study, including gnomAD, ChinaMAP, and Kaviar. The affected individuals showed clinical features compatible with NBAS-related disease. Based on prior disease association, rarity in population databases, predicted splice effect, confirmed occurrence in trans with another NBAS disease-associated variant in affected siblings, and compatible clinical phenotypes, this variant was classified as pathogenic according to ACMG/AMP criteria. Functional RNA evidence is available and can be submitted using the full ClinVar submission spreadsheet if required.

Labcorp Genetics (formerly Invitae), Labcorp
Classification: Uncertain significance. Last evaluated: 2020-11-10. Review status: criteria provided, single submitter. Criteria: Invitae Variant Classification Sherloc (09022015). Collection method: clinical testing. Allele origin: germline.
Comment: In summary, the available evidence is currently insufficient to determine the role of this variant in disease. Therefore, it has been classified as a Variant of Uncertain Significance. This sequence change falls in intron 42 of the NBAS gene. It does not directly change the encoded amino acid sequence of the NBAS protein. This variant is not present in population databases (ExAC no frequency). This variant has not been reported in the literature in individuals with NBAS-related conditions. ClinVar contains an entry for this variant (Variation ID: 388349). Algorithms developed to predict the effect of sequence changes on RNA splicing suggest that this variant may disrupt the consensus splice site, but this prediction has not been confirmed by published transcriptional studies.

GeneDx
Classification: Uncertain significance. Last evaluated: 2016-08-04. Review status: criteria provided, single submitter. Criteria: GeneDx Variant Classification (06012015). Collection method: clinical testing. Allele origin: germline. Affected: yes.
Comment: The c.5139-5T>G variant in the NBAS gene has not been reported previously as a pathogenic variant nor as a benign variant, to our knowledge. Although two in silico splice algorithms predict that this variant destroys the natural splice acceptor site of intron 42, another model predicts no effect on splicing. In the absence of RNA/functional studies, the actual effect of c.5139-5T>G is unknown. The c.5139-5T>G variant was not observed in approximately 6,500 individuals of European and African American ancestry in the NHLBI Exome Sequencing Project, indicating it is not a common benign variant in these populations. We interpret c.5139-5T>G as a variant of uncertain significance.

Juno Genomics, Hangzhou Juno Genomics, Inc
Classification: Uncertain significance for Infantile liver failure syndrome 2; Short stature-optic atrophy-Pelger-Huët anomaly syndrome. Review status: criteria provided, single submitter. Criteria: ACMG Guidelines, 2015. Collection method: clinical testing. Allele origin: germline.
Comment: Absent from controls (or at extremely low frequency if recessive) in Genome Aggregation Database.;Multiple lines of computational evidence support a deleterious effect on the gene or gene product.

Literature cited by the submitters: PubMed 42305553 (cited by Life Science Institute, Zhejiang University).

NM_015909.4(NBAS):c.5139-5T>G

Gene: NBAS (NBAS subunit of NRZ tethering complex; minus strand). Cytogenetic location: 2p24.3.
Variant type: single nucleotide variant.
Coding change: c.5139-5T>G on transcript NM_015909.4 (MANE Select); 5 bases into the intron before coding-DNA position 5139, T replaced by G.
Molecular consequence: intron variant.
Genome position (GRCh38, 1-based): chr2:15,277,106, A>C on the plus strand (T>G on the coding strand, the complement: NBAS is on the minus strand). VCF-style: chr2-15277106-A-C. GRCh37 (hg19) VCF-style: chr2-15417230-A-C.
Identifiers: ClinVar variation 388349 (VCV000388349.12), dbSNP rs1057523077, ClinGen allele CA16603805.